The following is an entry in ClinVar:

ClinVar aggregate classification (germline): Uncertain significance (1 of 4 stars; one submission).

Submission:

Athena Diagnostics
Classification: Uncertain significance. Last evaluated: 2024-12-31. Review status: criteria provided, single submitter. Criteria: Athena Diagnostics Criteria. Collection method: clinical testing. Allele origin: unknown.
Comment: Available data are insufficient to determine the clinical significance of the variant at this time. This variant has not been reported in large, multi-ethnic general populations. Computational tools yielded predictions that this variant may result in the gain of a cryptic splice site without affecting the natural splice sites.

NM_001130438.3(SPTAN1):c.3231G>A (p.Leu1077=)

Gene: SPTAN1 (spectrin alpha, non-erythrocytic 1; plus strand). Cytogenetic location: 9q34.11.
Variant type: single nucleotide variant.
Coding change: c.3231G>A on transcript NM_001130438.3 (MANE Select); coding-DNA position 3231, G replaced by A.
Protein change: p.Leu1077=; no amino-acid change (leucine 1077 retained).
Molecular consequence: synonymous variant.
Genome position (GRCh38, 1-based): chr9:128,594,190, G>A. VCF-style: chr9-128594190-G-A. GRCh37 (hg19) VCF-style: chr9-131356469-G-A.
Other names: c.3171G>A, p.Leu1057= (NM_001195532.2, NM_001363765.2, NM_001375314.2 and 3 more transcripts); c.3231G>A, p.Leu1077= (NM_001363759.2, NM_001375310.1, NM_001375311.2 and 4 more transcripts); c.3267G>A, p.Leu1089= (NM_001375312.2, NM_001375318.1, NM_001438440.1).
Identifiers: ClinVar variation 4682308 (VCV004682308.1).